The following is an entry in ClinVar:

ClinVar aggregate classification (germline): Uncertain significance. Review status: criteria provided, multiple submitters, no conflicts (2 of 4 stars). 3 submissions from 3 submitters: Uncertain significance (3). Last evaluated 2024-11-28.

Conditions:
Inborn genetic diseases. Identifiers: MedGen C0950123, MeSH D030342.
Inosine triphosphatase deficiency. Also called: INOSINE TRIPHOSPHATE PYROPHOSPHOHYDROLASE DEFICIENCY. Identifiers: MedGen C0342800, MONDO:0013461, OMIM 613850.

Allele frequency attached by ClinVar (database versions not stated): gnomAD 0.00002 and 0.00003; gnomAD exomes 0.00003 and 0.00005; ExAC 0.00005; TOPMed 0.00005.
gnomAD v4.1: 56 of 1,614,020 alleles (0.0035%); highest among the groups gnomAD compares: Middle Eastern, 0.016%; no homozygotes.

Submissions (3):

Blueprint Genetics
Classification: Uncertain significance. Last evaluated: 2024-11-28. Review status: criteria provided, single submitter. Criteria: ACMG Guidelines, 2015. Collection method: clinical testing. Allele origin: germline.

Ambry Genetics
Classification: Uncertain significance for Inborn genetic diseases. Last evaluated: 2024-10-08. Review status: criteria provided, single submitter. Criteria: Ambry Variant Classification Scheme 2023. Collection method: clinical testing. Allele origin: germline.

Labcorp Genetics (formerly Invitae), Labcorp
Classification: Uncertain significance for Inosine triphosphatase deficiency. Last evaluated: 2022-08-15. Review status: criteria provided, single submitter. Criteria: Invitae Variant Classification Sherloc (09022015). Collection method: clinical testing. Allele origin: germline.
Comment: This sequence change replaces valine, which is neutral and non-polar, with leucine, which is neutral and non-polar, at codon 64 of the ITPA protein (p.Val64Leu). This variant is present in population databases (rs760868571, gnomAD 0.009%). This variant has not been reported in the literature in individuals affected with ITPA-related conditions. ClinVar contains an entry for this variant (Variation ID: 533415). Algorithms developed to predict the effect of missense changes on protein structure and function (SIFT, PolyPhen-2, Align-GVGD) all suggest that this variant is likely to be tolerated. Algorithms developed to predict the effect of sequence changes on RNA splicing suggest that this variant may disrupt the consensus splice site. In summary, the available evidence is currently insufficient to determine the role of this variant in disease. Therefore, it has been classified as a Variant of Uncertain Significance.

NM_033453.4(ITPA):c.190G>T (p.Val64Leu)

Gene: ITPA (inosine triphosphatase; plus strand). Cytogenetic location: 20p13.
Variant type: single nucleotide variant.
Coding change: c.190G>T on transcript NM_033453.4 (MANE Select); coding-DNA position 190, G replaced by T.
Protein change: p.Val64Leu; replaces valine 64 with leucine.
Molecular consequence: missense variant. On other transcripts: 5 prime UTR variant (4), non-coding transcript variant (2).
Genome position (GRCh38, 1-based): chr20:3,213,985, G>T. VCF-style: chr20-3213985-G-T. GRCh37 (hg19) VCF-style: chr20-3194631-G-T.
Other names: c.190G>T (NM_033453.2); c.67G>T, p.Val23Leu (NM_001267623.2); c.-148G>T (NM_001324236.2, NM_001324237.2, NM_001324238.2 and 1 more transcripts); c.190G>T, p.Val64Leu (NM_001324240.2); c.139G>T, p.Val47Leu (NM_181493.4); short protein forms V64L, V47L, V23L.
Identifiers: ClinVar variation 533415 (VCV000533415.9), dbSNP rs760868571, ClinGen allele CA9741210.